The following is an entry in ClinVar:

NM_001519.4(BRF1):c.439+1G>A

Gene: BRF1 (BRF1 general transcription factor IIIB subunit; minus strand). Cytogenetic location: 14q32.33.
Variant type: single nucleotide variant.
Coding change: c.439+1G>A on transcript NM_001519.4 (MANE Select); the canonical splice donor site of the intron after coding-DNA position 439, G replaced by A.
Molecular consequence: splice donor variant.
Genome position (GRCh38, 1-based): chr14:105,272,720, C>T on the plus strand (G>A on the coding strand, the complement: BRF1 is on the minus strand). VCF-style: chr14-105272720-C-T. GRCh37 (hg19) VCF-style: chr14-105739057-C-T.
Other names: c.94+1G>A (NM_001440451.1, NM_001242787.2, NM_001242786.2); c.358+1G>A (NM_001242788.2); c.439+1G>A (NM_001440450.1, NM_001440449.1, NM_001242790.2).
Identifiers: ClinVar variation 5036892 (VCV005036892.1).

ClinVar aggregate classification (germline): Likely pathogenic (1 of 4 stars; one submission).

gnomAD v4.1: 22 of 1,601,552 alleles (0.0014%); highest among the groups gnomAD compares: African/African-American, 0.0054%; no homozygotes.

Submission:

GeneDx
Classification: Likely pathogenic. Last evaluated: 2026-04-16. Review status: criteria provided, single submitter. Criteria: GeneDx Variant Classification Process June 2021. Collection method: clinical testing. Allele origin: germline.
Comment: Identified in a member of a carrier screening cohort in published literature (PMID: 37386068) but additional evidence is not available; Canonical splice site variant predicted to result in an in-frame loss of the adjacent exon in a gene for which loss of function is a known mechanism of disease; Not observed at significant frequency in large population cohorts (gnomAD); This variant is associated with the following publications: (PMID: 37386068)